The following is an entry in ClinVar:

NM_001080477.4(TENM3):c.4759T>C (p.Leu1587=)

Gene: TENM3 (teneurin transmembrane protein 3; plus strand). Cytogenetic location: 4q35.1.
Variant type: single nucleotide variant.
Coding change: c.4759T>C on transcript NM_001080477.4 (MANE Select); coding-DNA position 4759, T replaced by C.
Protein change: p.Leu1587=; no amino-acid change (leucine 1587 retained).
Molecular consequence: synonymous variant.
Genome position (GRCh38, 1-based): chr4:182,755,126, T>C. VCF-style: chr4-182755126-T-C. GRCh37 (hg19) VCF-style: chr4-183676279-T-C.
Other names: c.3991T>C, p.Leu1331= (NM_001415960.1); c.3964T>C, p.Leu1322= (NM_001415961.1); c.3961T>C, p.Leu1321= (NM_001415962.1); c.3943T>C, p.Leu1315= (NM_001415963.1); c.3940T>C, p.Leu1314= (NM_001415964.1); c.4477T>C, p.Leu1493= (NM_001415966.1); c.4501T>C, p.Leu1501= (NM_001415967.1); c.4777T>C, p.Leu1593= (NM_001415968.1); and 4 more.
Identifiers: ClinVar variation 3041034 (VCV003041034.2), dbSNP rs146940584, ClinGen allele CA3148475.

ClinVar aggregate classification (germline): Likely benign (0 of 4 stars; one submission).

Conditions:
TENM3-related disorder. Also called: TENM3-related condition.

Allele frequency attached by ClinVar (database versions not stated): TOPMed 0.00005; gnomAD 0.00017; ExAC 0.00030; gnomAD exomes 0.00045; 1000 Genomes Project 30x 0.00156; 1000 Genomes Project 0.00200.
gnomAD v4.1: 657 of 1,613,886 alleles (0.041%); highest among the groups gnomAD compares: East Asian, 1.5%; 7 homozygotes.

Submission:

PreventionGenetics, part of Exact Sciences
Classification: Likely benign for TENM3-related condition. Last evaluated: 2019-03-20. Review status: no assertion criteria provided. Collection method: clinical testing. Allele origin: germline.
Comment: This variant is classified as likely benign based on ACMG/AMP sequence variant interpretation guidelines (Richards et al. 2015 PMID: 25741868, with internal and published modifications).